The following is an entry in ClinVar:

ClinVar aggregate classification (germline): Uncertain significance (1 of 4 stars; one submission).

Conditions:
Hereditary spastic paraplegia 11. Also called: Spastic Paraplegia 11; Nakamura Osame syndrome; Autosomal recessive hereditary spastic paraplegia, mental impairment, and thin corpus callosum; SPASTIC PARAPLEGIA, AUTOSOMAL RECESSIVE, COMPLICATED, WITH THIN CORPUS CALLOSUM; SPASTIC PARAPLEGIA, AUTOSOMAL RECESSIVE, WITH MENTAL IMPAIRMENT AND THIN CORPUS CALLOSUM; Spastic paraplegia, mental retardation and thin corpus callosum. Identifiers: Orphanet 2822, MedGen C1858479, MONDO:0011445, OMIM 604360.

gnomAD v4.1: 4 of 1,614,022 alleles (0.00025%); highest among the groups gnomAD compares: Non-Finnish European, 0.00034%; no homozygotes.

Submission:

Labcorp Genetics (formerly Invitae), Labcorp
Classification: Uncertain significance for Hereditary spastic paraplegia 11. Last evaluated: 2021-06-30. Review status: criteria provided, single submitter. Criteria: Invitae Variant Classification Sherloc (09022015). Collection method: clinical testing. Allele origin: germline.
Comment: This sequence change replaces glutamine with histidine at codon 498 of the SPG11 protein (p.Gln498His). The glutamine residue is moderately conserved and there is a small physicochemical difference between glutamine and histidine. This variant is not present in population databases (ExAC no frequency). This variant has not been reported in the literature in individuals affected with SPG11-related conditions. Algorithms developed to predict the effect of missense changes on protein structure and function are either unavailable or do not agree on the potential impact of this missense change (SIFT: "Deleterious"; PolyPhen-2: "Probably Damaging"; Align-GVGD: "Class C0"). In summary, the available evidence is currently insufficient to determine the role of this variant in disease. Therefore, it has been classified as a Variant of Uncertain Significance.

NM_025137.4(SPG11):c.1494A>C (p.Gln498His)

Gene: SPG11 (SPG11 vesicle trafficking associated, spatacsin; minus strand). Cytogenetic location: 15q21.1.
Variant type: single nucleotide variant.
Coding change: c.1494A>C on transcript NM_025137.4 (MANE Select); coding-DNA position 1494, A replaced by C.
Protein change: p.Gln498His; replaces glutamine 498 with histidine.
Molecular consequence: missense variant.
Genome position (GRCh38, 1-based): chr15:44,648,974, T>G on the plus strand (A>C on the coding strand, the complement: SPG11 is on the minus strand). VCF-style: chr15-44648974-T-G. GRCh37 (hg19) VCF-style: chr15-44941172-T-G.
Other names: c.1494A>C, p.Gln498His (NM_001160227.2); short protein forms Q498H.
Identifiers: ClinVar variation 1351722 (VCV001351722.8), dbSNP rs760202776, ClinGen allele CA392235702.